The following is an entry in ClinVar:

NM_014845.6(FIG4):c.1137+5G>T

Gene: FIG4 (FIG4 phosphoinositide 5-phosphatase; plus strand). Cytogenetic location: 6q21.
Variant type: single nucleotide variant.
Coding change: c.1137+5G>T on transcript NM_014845.6 (MANE Select); 5 bases into the intron after coding-DNA position 1137, G replaced by T.
Molecular consequence: intron variant.
Genome position (GRCh38, 1-based): chr6:109,743,777, G>T. VCF-style: chr6-109743777-G-T. GRCh37 (hg19) VCF-style: chr6-110064980-G-T.
Identifiers: ClinVar variation 1163269 (VCV001163269.11), dbSNP rs746766125, ClinGen allele CA145137758.

ClinVar aggregate classification (germline): Uncertain significance. Review status: criteria provided, multiple submitters, no conflicts (2 of 4 stars). 2 submissions from 2 submitters: Uncertain significance (2). Last evaluated 2022-06-16.

Conditions:
Charcot-Marie-Tooth disease type 4. Also called: Charcot-Marie-Tooth, Type 4; Charcot-Marie-Tooth disease, type IV. Identifiers: Orphanet 64749, MedGen C4082197, MONDO:0018995.

Allele frequency attached by ClinVar (database versions not stated): gnomAD 0.00001; TOPMed 0.00001.
gnomAD v4.1: 9 of 1,597,864 alleles (0.00056%); highest among the groups gnomAD compares: Non-Finnish European, 0.00077%; no homozygotes.

Submissions (2):

Labcorp Genetics (formerly Invitae), Labcorp
Classification: Uncertain significance for Charcot-Marie-Tooth disease type 4. Last evaluated: 2022-06-16. Review status: criteria provided, single submitter. Criteria: Invitae Variant Classification Sherloc (09022015). Collection method: clinical testing. Allele origin: germline.
Comment: In summary, the available evidence is currently insufficient to determine the role of this variant in disease. Therefore, it has been classified as a Variant of Uncertain Significance. Variants that disrupt the consensus splice site are a relatively common cause of aberrant splicing (PMID: 17576681, 9536098). Algorithms developed to predict the effect of sequence changes on RNA splicing suggest that this variant may disrupt the consensus splice site. ClinVar contains an entry for this variant (Variation ID: 1163269). This variant has not been reported in the literature in individuals affected with FIG4-related conditions. This variant is not present in population databases (gnomAD no frequency). This sequence change falls in intron 10 of the FIG4 gene. It does not directly change the encoded amino acid sequence of the FIG4 protein. It affects a nucleotide within the consensus splice site.

Mayo Clinic Laboratories, Mayo Clinic
Classification: Uncertain significance. Last evaluated: 2020-04-23. Review status: criteria provided, single submitter. Criteria: ACMG Guidelines, 2015. Collection method: clinical testing. Allele origin: germline. Observed: 1 variant allele.

Literature cited by the submitters: PubMed 17576681 (cited by Labcorp Genetics (formerly Invitae), Labcorp); PubMed 9536098 (cited by Labcorp Genetics (formerly Invitae), Labcorp).